The following is an entry in ClinVar:

ClinVar aggregate classification (germline): Uncertain significance. Review status: criteria provided, multiple submitters, no conflicts (2 of 4 stars). 3 submissions from 3 submitters: Uncertain significance (2). 1 of the submissions does not count toward it. Last evaluated 2026-08-01.

Conditions:
TTN-related disorder. Also called: TTN-related condition; TTN-related disease; TTN-related disorders.

Allele frequency attached by ClinVar (database versions not stated): gnomAD exomes 0.00001; TOPMed 0.00002.
gnomAD v4.1: 3 of 1,613,832 alleles (0.00019%); highest among the groups gnomAD compares: Admixed American, 0.005%; no homozygotes.

Submissions (3):

CeGaT Center for Human Genetics Tuebingen
Classification: Uncertain significance. Last evaluated: 2026-08-01. Review status: criteria provided, single submitter. Criteria: CeGaT Center For Human Genetics Tuebingen Variant Classification Criteria Version 2. Collection method: clinical testing. Allele origin: germline. Affected: yes. Observed: 1 variant allele.
Comment: TTN: PM2

Eurofins Ntd Llc (ga)
Classification: Uncertain significance. Last evaluated: 2017-10-12. Review status: criteria provided, single submitter. Criteria: EGL Classification Definitions 2015. Collection method: clinical testing. Allele origin: germline. Observed: 1 variant allele, 1 heterozygote.

PreventionGenetics, part of Exact Sciences
Classification: Uncertain significance for TTN-related condition. Last evaluated: 2024-01-02. Review status: no assertion criteria provided. Collection method: clinical testing. Allele origin: germline. Not counted in ClinVar's aggregate classification.
Comment: The TTN c.95473A>G variant is predicted to result in the amino acid substitution p.Ile31825Val. To our knowledge, this variant has not been reported in the literature. This variant is reported in 0.0087% of alleles in individuals of Latino descent in gnomAD. At this time, the clinical significance of this variant is uncertain due to the absence of conclusive functional and genetic evidence.

NM_001267550.2(TTN):c.95473A>G (p.Ile31825Val)

Genes: TTN (titin; minus strand), TTN-AS1 (TTN antisense RNA 1; plus strand). Cytogenetic location: 2q31.2.
Variant type: single nucleotide variant.
Coding change: c.95473A>G on transcript NM_001267550.2 (MANE Select); coding-DNA position 95473, A replaced by G.
Protein change: p.Ile31825Val; replaces isoleucine 31825 with valine.
Molecular consequence: missense variant.
Genome position (GRCh38, 1-based): chr2:178,545,637, T>C on the plus strand (A>G on the coding strand, the complement: TTN is on the minus strand). VCF-style: chr2-178545637-T-C. GRCh37 (hg19) VCF-style: chr2-179410364-T-C.
Other names: c.90550A>G, p.Ile30184Val (NM_001256850.1); c.68278A>G, p.Ile22760Val (NM_003319.4); c.87769A>G, p.Ile29257Val (NM_133378.4); c.68653A>G, p.Ile22885Val (NM_133432.3); c.68854A>G, p.Ile22952Val (NM_133437.4); short protein forms I29257V, I31825V, I30184V, I22760V, I22885V, I22952V.
Identifiers: ClinVar variation 594362 (VCV000594362.8), dbSNP rs1393236297, ClinGen allele CA349461190.